The following is an entry in ClinVar:

NM_001257096.2(PAX1):c.790G>A (p.Gly264Ser)

Gene: PAX1 (paired box 1; plus strand). Cytogenetic location: 20p11.22.
Variant type: single nucleotide variant.
Coding change: c.790G>A on transcript NM_001257096.2 (MANE Select); coding-DNA position 790, G replaced by A.
Protein change: p.Gly264Ser; replaces glycine 264 with serine.
Molecular consequence: missense variant.
Genome position (GRCh38, 1-based): chr20:21,706,941, G>A. VCF-style: chr20-21706941-G-A. GRCh37 (hg19) VCF-style: chr20-21687579-G-A.
Other names: c.790G>A (NM_006192.3); c.790G>A, p.Gly264Ser (NM_006192.5); short protein forms G264S.
Identifiers: ClinVar variation 2826767 (VCV002826767.4), dbSNP rs760196253, ClinGen allele CA9786557.

ClinVar aggregate classification (germline): Uncertain significance. Review status: criteria provided, multiple submitters, no conflicts (2 of 4 stars). 2 submissions from 2 submitters: Uncertain significance (2). Last evaluated 2025-08-27.

Conditions:
Inborn genetic diseases. Identifiers: MedGen C0950123, MeSH D030342.

Allele frequency attached by ClinVar (database versions not stated): gnomAD exomes below 0.00001; ExAC 0.00001.
gnomAD v4.1: 1 of 1,612,506 alleles (0.000062%); highest among the groups gnomAD compares: Admixed American, 0.0017%; no homozygotes.

Submissions (2):

Ambry Genetics
Classification: Uncertain significance for Inborn genetic diseases. Last evaluated: 2025-08-27. Review status: criteria provided, single submitter. Criteria: Ambry Variant Classification Scheme 2023. Collection method: clinical testing. Allele origin: germline.

Labcorp Genetics (formerly Invitae), Labcorp
Classification: Uncertain significance. Last evaluated: 2023-05-16. Review status: criteria provided, single submitter. Criteria: Invitae Variant Classification Sherloc (09022015). Collection method: clinical testing. Allele origin: germline.
Comment: This variant has not been reported in the literature in individuals affected with PAX1-related conditions. In summary, the available evidence is currently insufficient to determine the role of this variant in disease. Therefore, it has been classified as a Variant of Uncertain Significance. Advanced modeling of protein sequence and biophysical properties (such as structural, functional, and spatial information, amino acid conservation, physicochemical variation, residue mobility, and thermodynamic stability) performed at Invitae indicates that this missense variant is not expected to disrupt PAX1 protein function. This variant is present in population databases (rs760196253, gnomAD 0.003%). This sequence change replaces glycine, which is neutral and non-polar, with serine, which is neutral and polar, at codon 264 of the PAX1 protein (p.Gly264Ser).